The following is an entry in ClinVar:

NM_001267550.2(TTN):c.91745C>A (p.Thr30582Asn)

Genes: TTN (titin; minus strand), TTN-AS1 (TTN antisense RNA 1; plus strand). Cytogenetic location: 2q31.2.
Variant type: single nucleotide variant.
Coding change: c.91745C>A on transcript NM_001267550.2 (MANE Select); coding-DNA position 91745, C replaced by A.
Protein change: p.Thr30582Asn; replaces threonine 30582 with asparagine.
Molecular consequence: missense variant.
Genome position (GRCh38, 1-based): chr2:178,550,093, G>T on the plus strand (C>A on the coding strand, the complement: TTN is on the minus strand). VCF-style: chr2-178550093-G-T. GRCh37 (hg19) VCF-style: chr2-179414820-G-T.
Other names: c.86822C>A, p.Thr28941Asn (NM_001256850.1); c.64550C>A, p.Thr21517Asn (NM_003319.4); c.84041C>A, p.Thr28014Asn (NM_133378.4); c.64925C>A, p.Thr21642Asn (NM_133432.3); c.65126C>A, p.Thr21709Asn (NM_133437.4); short protein forms T21517N, T21642N, T21709N, T28014N, T28941N, T30582N.
Identifiers: ClinVar variation 1809962 (VCV001809962.2), dbSNP rs2469188334, ClinGen allele CA349497402.

ClinVar aggregate classification (germline): Uncertain significance (1 of 4 stars; one submission).

Submission:

GeneDx
Classification: Uncertain significance. Last evaluated: 2025-03-03. Review status: criteria provided, single submitter. Criteria: GeneDx Variant Classification Process June 2021. Collection method: clinical testing. Allele origin: germline. Affected: yes.
Comment: Not observed at significant frequency in large population cohorts (gnomAD); Missense variant in a gene in which most reported pathogenic variants are truncating/loss of function; Has not been previously published as pathogenic or benign to our knowledge